The following is an entry in ClinVar:

NM_133259.4(LRPPRC):c.1328G>A (p.Trp443Ter)

Gene: LRPPRC (leucine rich pentatricopeptide repeat containing; minus strand). Cytogenetic location: 2p21.
Variant type: single nucleotide variant.
Coding change: c.1328G>A on transcript NM_133259.4 (MANE Select); coding-DNA position 1328, G replaced by A.
Protein change: p.Trp443Ter; replaces tryptophan 443 with a stop codon.
Molecular consequence: nonsense.
Genome position (GRCh38, 1-based): chr2:43,973,648, C>T on the plus strand (G>A on the coding strand, the complement: LRPPRC is on the minus strand). VCF-style: chr2-43973648-C-T. GRCh37 (hg19) VCF-style: chr2-44200787-C-T.
Other names: short protein forms W443*.
Identifiers: ClinVar variation 2816904 (VCV002816904.3), dbSNP rs749067246, ClinGen allele CA346671955.

ClinVar aggregate classification (germline): Pathogenic (1 of 4 stars; one submission).

Submission:

Labcorp Genetics (formerly Invitae), Labcorp
Classification: Pathogenic. Last evaluated: 2022-12-04. Review status: criteria provided, single submitter. Criteria: Invitae Variant Classification Sherloc (09022015). Collection method: clinical testing. Allele origin: germline.
Comment: For these reasons, this variant has been classified as Pathogenic. This variant has not been reported in the literature in individuals affected with LRPPRC-related conditions. This variant is not present in population databases (gnomAD no frequency). This sequence change creates a premature translational stop signal (p.Trp443*) in the LRPPRC gene. It is expected to result in an absent or disrupted protein product. Loss-of-function variants in LRPPRC are known to be pathogenic (PMID: 26510951).

Literature cited by the submitters: PubMed 26510951.